The following is an entry in ClinVar:

NM_001323289.2(CDKL5):c.2611T>G (p.Phe871Val)

Gene: CDKL5 (cyclin dependent kinase like 5; plus strand). Cytogenetic location: Xp22.13.
Variant type: single nucleotide variant.
Coding change: c.2611T>G on transcript NM_001323289.2 (MANE Select); coding-DNA position 2611, T replaced by G.
Protein change: p.Phe871Val; replaces phenylalanine 871 with valine.
Molecular consequence: missense variant.
Genome position (GRCh38, 1-based): chrX:18,628,485, T>G. VCF-style: chrX-18628485-T-G. GRCh37 (hg19) VCF-style: chrX-18646605-T-G.
Other names: c.2611T>G, p.Phe871Val (NM_001037343.2, NM_003159.3); short protein forms F871V.
Identifiers: ClinVar variation 1446248 (VCV001446248.8), dbSNP rs2147178975, ClinGen allele CA412367485.

ClinVar aggregate classification (germline): Uncertain significance (1 of 4 stars; one submission).

Conditions:
Angelman syndrome-like. Identifiers: MedGen CN128785.
Developmental and epileptic encephalopathy, 2 (DEE2). Also called: INFANTILE SPASM SYNDROME, X-LINKED 2; CDKL5 deficiency disorder. Identifiers: Orphanet 1934, Orphanet 3451, Orphanet 505652, MedGen C4750718, MONDO:0010396, OMIM 300672.

Submission:

Labcorp Genetics (formerly Invitae), Labcorp
Classification: Uncertain significance for Developmental and epileptic encephalopathy, 2; Angelman syndrome-like. Last evaluated: 2023-08-31. Review status: criteria provided, single submitter. Criteria: Invitae Variant Classification Sherloc (09022015). Collection method: clinical testing. Allele origin: germline.
Comment: In summary, the available evidence is currently insufficient to determine the role of this variant in disease. Therefore, it has been classified as a Variant of Uncertain Significance. Advanced modeling of protein sequence and biophysical properties (such as structural, functional, and spatial information, amino acid conservation, physicochemical variation, residue mobility, and thermodynamic stability) performed at Invitae indicates that this missense variant is not expected to disrupt CDKL5 protein function. ClinVar contains an entry for this variant (Variation ID: 1446248). This variant has not been reported in the literature in individuals affected with CDKL5-related conditions. This variant is not present in population databases (gnomAD no frequency). This sequence change replaces phenylalanine, which is neutral and non-polar, with valine, which is neutral and non-polar, at codon 871 of the CDKL5 protein (p.Phe871Val).